The following is an entry in ClinVar:

ClinVar aggregate classification (germline): Uncertain significance (1 of 4 stars; one submission).

Conditions:
RYR1-related disorder. Also called: RYR1-related condition; RYR1-related disorders. Identifiers: MedGen CN239331.

Submission:

Labcorp Genetics (formerly Invitae), Labcorp
Classification: Uncertain significance for RYR1-related disorder. Last evaluated: 2023-11-15. Review status: criteria provided, single submitter. Criteria: Invitae Variant Classification Sherloc (09022015). Collection method: clinical testing. Allele origin: germline.
Comment: This sequence change replaces serine, which is neutral and polar, with isoleucine, which is neutral and non-polar, at codon 4309 of the RYR1 protein (p.Ser4309Ile). The frequency data for this variant in the population databases is considered unreliable, as metrics indicate insufficient coverage at this position in the gnomAD database. This variant has not been reported in the literature in individuals affected with RYR1-related conditions. Advanced modeling of protein sequence and biophysical properties (such as structural, functional, and spatial information, amino acid conservation, physicochemical variation, residue mobility, and thermodynamic stability) performed at Invitae indicates that this missense variant is not expected to disrupt RYR1 protein function with a negative predictive value of 95%. In summary, the available evidence is currently insufficient to determine the role of this variant in disease. Therefore, it has been classified as a Variant of Uncertain Significance.

NM_000540.3(RYR1):c.12926G>T (p.Ser4309Ile)

Gene: RYR1 (ryanodine receptor 1; plus strand). Cytogenetic location: 19q13.2.
Variant type: single nucleotide variant.
Coding change: c.12926G>T on transcript NM_000540.3 (MANE Select); coding-DNA position 12926, G replaced by T.
Protein change: p.Ser4309Ile; replaces serine 4309 with isoleucine.
Molecular consequence: missense variant.
Genome position (GRCh38, 1-based): chr19:38,565,260, G>T. VCF-style: chr19-38565260-G-T. GRCh37 (hg19) VCF-style: chr19-39055900-G-T.
Other names: c.12911G>T, p.Ser4304Ile (NM_001042723.2); short protein forms S4309I, S4304I.
Identifiers: ClinVar variation 2793860 (VCV002793860.3), dbSNP rs1973348275, ClinGen allele CA405672611.
Genomic context (GRCh38, chr19:38,565,260, plus strand): 5'-CGGCGGCGGGGGCGACGGCGCGGGTTGTGGCGGCCGCAGGCCGGGCCCTGCGAGGCCTCA[G>T]CTACCGCAGCCTGCGGCGGCGCGTGCGGCGGCTGCGGCGGCTTACGGCCCGCGAGGCGGC-3'
Protein context (NP_000531.2, residues 4299-4319): AAAGRALRGL[Ser4309Ile]YRSLRRRVRR